The following is an entry in ClinVar:

NM_198525.3(KIF7):c.1903C>T (p.Arg635Trp)

Gene: KIF7 (kinesin family member 7; minus strand). Cytogenetic location: 15q26.1.
Variant type: single nucleotide variant.
Coding change: c.1903C>T on transcript NM_198525.3 (MANE Select); coding-DNA position 1903, C replaced by T.
Protein change: p.Arg635Trp; replaces arginine 635 with tryptophan.
Molecular consequence: missense variant.
Genome position (GRCh38, 1-based): chr15:89,645,912, G>A on the plus strand (C>T on the coding strand, the complement: KIF7 is on the minus strand). VCF-style: chr15-89645912-G-A. GRCh37 (hg19) VCF-style: chr15-90189143-G-A.
Other names: c.1903C>T (NM_198525.2); short protein forms R635W.
Identifiers: ClinVar variation 1040458 (VCV001040458.8), dbSNP rs150543610, ClinGen allele CA7728419.

ClinVar aggregate classification (germline): Uncertain significance. Review status: criteria provided, multiple submitters, no conflicts (2 of 4 stars). 3 submissions from 3 submitters: Uncertain significance (3). Last evaluated 2025-07-28.

Conditions:
Acrocallosal syndrome (ACLS). Also called: HALLUX DUPLICATION, POSTAXIAL POLYDACTYLY, AND ABSENCE OF CORPUS CALLOSUM; Schinzel syndrome 1; Absence of corpus callosum with unusual facial appearance, mental deficiency, duplication of the halluces and polydactyly. Identifiers: Orphanet 36, MedGen C0796147, MONDO:0008708, OMIM 200990.
Inborn genetic diseases. Identifiers: MedGen C0950123, MeSH D030342.

Allele frequency attached by ClinVar (database versions not stated): ExAC 0.00008; gnomAD exomes 0.00008 and 0.00009; TOPMed 0.00009; gnomAD 0.00012 and 0.00014; ESP Exome Variant Server 0.00015.
gnomAD v4.1: 143 of 1,613,404 alleles (0.0089%); highest among the groups gnomAD compares: African/African-American, 0.029%; no homozygotes.

Submissions (4):

Labcorp Genetics (formerly Invitae), Labcorp
Classification: Uncertain significance for Acrocallosal syndrome. Last evaluated: 2025-07-28. Review status: criteria provided, single submitter. Criteria: Invitae Variant Classification Sherloc (09022015). Collection method: clinical testing. Allele origin: germline.
Comment: This sequence change replaces arginine, which is basic and polar, with tryptophan, which is neutral and slightly polar, at codon 635 of the KIF7 protein (p.Arg635Trp). This variant is present in population databases (rs150543610, gnomAD 0.03%). This variant has not been reported in the literature in individuals affected with KIF7-related conditions. ClinVar contains an entry for this variant (Variation ID: 1040458). Invitae Evidence Modeling of protein sequence and biophysical properties (such as structural, functional, and spatial information, amino acid conservation, physicochemical variation, residue mobility, and thermodynamic stability) indicates that this missense variant is not expected to disrupt KIF7 protein function with a negative predictive value of 80%. In summary, the available evidence is currently insufficient to determine the role of this variant in disease. Therefore, it has been classified as a Variant of Uncertain Significance.

Blueprint Genetics
Classification: Uncertain significance. Last evaluated: 2023-01-23. Review status: criteria provided, single submitter. Criteria: ACMG Guidelines, 2015. Collection method: clinical testing. Allele origin: germline.

Ambry Genetics
Classification: Uncertain significance for Inborn genetic diseases. Last evaluated: 2022-07-12. Review status: criteria provided, single submitter. Criteria: Ambry Variant Classification Scheme 2023. Collection method: clinical testing. Allele origin: germline.

Dr. Peter K. Rogan Lab, Western University
No classification provided (evidence only). Condition: Familial cancer of breast. Review status: no classification provided. Collection method: in vitro. Allele origin: not applicable. Functional consequence: retained intron. Not counted in ClinVar's aggregate classification.